The following is an entry in ClinVar:

ClinVar aggregate classification (germline): Conflicting classifications of pathogenicity. Review status: criteria provided, conflicting classifications (1 of 4 stars). 2 submissions from 2 submitters: Likely pathogenic (1); Uncertain significance (1). Last evaluated 2023-06-20.

Conditions:
Familial melanoma. Also called: Hereditary melanoma; Hereditary cutaneous melanoma. Identifiers: Orphanet 618, MedGen C1512419, MONDO:0018961.
Hereditary cancer-predisposing syndrome. Also called: Hereditary neoplastic syndrome; Hereditary Cancer Syndrome; Tumor predisposition; Neoplastic Syndromes, Hereditary. Identifiers: Orphanet 140162, MedGen C0027672, MeSH D009386, MONDO:0015356.

gnomAD v4.1: 1 of 1,612,098 alleles (0.000062%); highest among the groups gnomAD compares: Non-Finnish European, 0.000085%; no homozygotes.

Submissions (2):

Labcorp Genetics (formerly Invitae), Labcorp
Classification: Uncertain significance for Familial melanoma. Last evaluated: 2023-06-20. Review status: criteria provided, single submitter. Criteria: Invitae Variant Classification Sherloc (09022015). Collection method: clinical testing. Allele origin: germline.
Comment: This sequence change replaces proline, which is neutral and non-polar, with arginine, which is basic and polar, at codon 38 of the CDKN2A (p16INK4a) protein (p.Pro38Arg). This variant is not present in population databases (gnomAD no frequency). This missense change has been observed in individual(s) with cutaneous melanoma (PMID: 17047042). ClinVar contains an entry for this variant (Variation ID: 1730766). An algorithm developed to predict the effect of missense changes on protein structure and function (PolyPhen-2) suggests that this variant is likely to be disruptive. In summary, the available evidence is currently insufficient to determine the role of this variant in disease. Therefore, it has been classified as a Variant of Uncertain Significance.

Ambry Genetics
Classification: Likely pathogenic for Hereditary cancer-predisposing syndrome. Last evaluated: 2016-03-22. Review status: criteria provided, single submitter. Criteria: Ambry Variant Classification Scheme 2023. Collection method: clinical testing. Allele origin: germline.
Comment: The p.P38R variant (also known as c.113C>G), located in coding exon 1 of the CDKN2A gene, results from a C to G substitution at nucleotide position 113. The proline at codon 38 is replaced by arginine, an amino acid with dissimilar properties. This variant has previously been reported in a family with cutaneous malignant melanoma (Goldstein AM, et al. Cancer Res. 2006 Oct; 66(20):9818-28). This variant was not reported in population based cohorts in the following databases: Database of Single Nucleotide Polymorphisms (dbSNP), NHLBI Exome Sequencing Project (ESP), and 1000 Genomes Project. In the ESP, this variant was not observed in 6487 samples (12974 alleles) with coverage at this position. To date, this alteration has been detected with an allele frequency of approximately 0.002% (greater than 50000 alleles tested) in our clinical cohort. This amino acid position is well conserved in available vertebrate species. In addition, the in silico prediction for this alteration is inconclusive. Alterations that disrupt the canonical splice acceptor site are typically deleterious in nature (ACMG Recommendations for Standards for Interpretation and Reporting of Sequence Variations. Revision 2007. Genet Med. 2008;10:294). As such, this variant is classified as likely pathogenic.

Literature cited by the submitters: PubMed 17047042 (cited by Labcorp Genetics (formerly Invitae), Labcorp and Ambry Genetics).

NM_000077.5(CDKN2A):c.113C>G (p.Pro38Arg)

Gene: CDKN2A (cyclin dependent kinase inhibitor 2A; minus strand). Cytogenetic location: 9p21.3.
Variant type: single nucleotide variant.
Coding change: c.113C>G on transcript NM_000077.5; coding-DNA position 113, C replaced by G.
Protein change: p.Pro38Arg; replaces proline 38 with arginine.
Molecular consequence: missense variant (on NM_000077.6). On other transcripts: intron variant (2).
Genome position (GRCh38, 1-based): chr9:21,974,715, G>C on the plus strand (C>G on the coding strand, the complement: CDKN2A is on the minus strand). VCF-style: chr9-21974715-G-C. GRCh37 (hg19) VCF-style: chr9-21974714-G-C.
Other names: c.113C>G, p.Pro38Arg (NM_000077.6, NM_001195132.2, NM_058197.5); c.-3-3507C>G (NM_001363763.2); c.194-3507C>G (NM_058195.4); short protein forms P38R.
Identifiers: ClinVar variation 1730766 (VCV001730766.5), dbSNP rs1563892591, ClinGen allele CA373086543.